The following is an entry in ClinVar:

NM_024996.7(GFM1):c.622G>A (p.Glu208Lys)

Gene: GFM1 (G elongation factor mitochondrial 1; plus strand). Cytogenetic location: 3q25.32.
Variant type: single nucleotide variant.
Coding change: c.622G>A on transcript NM_024996.7 (MANE Select); coding-DNA position 622, G replaced by A.
Protein change: p.Glu208Lys; replaces glutamic acid 208 with lysine.
Molecular consequence: missense variant. On other transcripts: non-coding transcript variant (2), intron variant (3).
Genome position (GRCh38, 1-based): chr3:158,649,090, G>A. VCF-style: chr3-158649090-G-A. GRCh37 (hg19) VCF-style: chr3-158366879-G-A.
Other names: p.E208K:GAG>AAG; c.622G>A, p.Glu208Lys (NM_001308164.2, NM_001308166.2, NM_001374355.1); c.397G>A, p.Glu133Lys (NM_001374357.1); c.55G>A, p.Glu19Lys (NM_001374359.1, NM_001374360.1); c.572+2143G>A (NM_001374356.1); c.6-3006G>A (NM_001374361.1); c.235-3010G>A (NM_001374358.1); c.622G>A (NM_001308164.1); short protein forms E208K, E133K, E19K.
Identifiers: ClinVar variation 214492 (VCV000214492.21), dbSNP rs191462023, ClinGen allele CA323024.

ClinVar aggregate classification (germline): Conflicting classifications of pathogenicity. Review status: criteria provided, conflicting classifications (1 of 4 stars). 7 submissions from 7 submitters: Uncertain significance (3); Likely benign (3). 1 of the submissions does not count toward it. Last evaluated 2026-08-28.

Conditions:
GFM1-related disorder. Also called: GFM1-related condition.
Hepatoencephalopathy due to combined oxidative phosphorylation defect type 1. Also called: HEPATOENCEPHALOPATHY, EARLY FATAL PROGRESSIVE. Identifiers: Orphanet 137681, MedGen C1836797, MONDO:0012191, OMIM 609060.

Allele frequency attached by ClinVar (database versions not stated): gnomAD exomes 0.00007 and 0.00035; gnomAD 0.00011 and 0.00014; TOPMed 0.00029; ExAC 0.00035; 1000 Genomes Project 30x 0.00062; 1000 Genomes Project 0.00080.
gnomAD v4.1: 125 of 1,580,836 alleles (0.0079%); highest among the groups gnomAD compares: East Asian, 0.25%; no homozygotes.

Submissions (7):

PreventionGenetics, part of Exact Sciences
Classification: Likely benign for GFM1-related condition. Last evaluated: 2026-08-28. Review status: criteria provided, single submitter. Criteria: ACMG Guidelines, 2015. Collection method: clinical testing. Allele origin: germline.
Comment: This variant is classified as likely benign based on ACMG/AMP sequence variant interpretation guidelines (Richards et al. 2015 PMID: 25741868, with internal and published modifications).

Labcorp Genetics (formerly Invitae), Labcorp
Classification: Likely benign. Last evaluated: 2026-01-19. Review status: criteria provided, single submitter. Criteria: Invitae Variant Classification Sherloc (09022015). Collection method: clinical testing. Allele origin: germline.

Department of Pathology and Laboratory Medicine, Sinai Health System
Classification: Uncertain significance for Hepatoencephalopathy due to combined oxidative phosphorylation defect type 1. Last evaluated: 2022-05-06. Review status: criteria provided, single submitter. Criteria: ACMG Guidelines, 2015. Collection method: research. Allele origin: germline.

Fulgent Genetics
Classification: Uncertain significance for Hepatoencephalopathy due to combined oxidative phosphorylation defect type 1. Last evaluated: 2018-10-31. Review status: criteria provided, single submitter. Criteria: ACMG Guidelines, 2015. Collection method: clinical testing. Allele origin: unknown.

Illumina Laboratory Services, Illumina
Classification: Likely benign for Hepatoencephalopathy due to combined oxidative phosphorylation defect type 1. Last evaluated: 2018-01-12. Review status: criteria provided, single submitter. Criteria: ICSL Variant Classification Criteria 13 December 2019. Collection method: clinical testing. Allele origin: germline.
Comment: This variant was observed in the ICSL laboratory as part of a predisposition screen in an ostensibly healthy population. It had not been previously curated by ICSL or reported in the Human Gene Mutation Database (HGMD: prior to June 1st, 2018), and was therefore a candidate for classification through an automated scoring system. Utilizing variant allele frequency, disease prevalence and penetrance estimates, and inheritance mode, an automated score was calculated to assess if this variant is too frequent to cause the disease. Based on the score and internal cut-off values, a variant classified as likely benign is not then subjected to further curation. The score for this variant resulted in a classification of likely benign for this disease.

GeneDx
Classification: Uncertain significance. Last evaluated: 2017-03-14. Review status: criteria provided, single submitter. Criteria: GeneDx Variant Classification (06012015). Collection method: clinical testing. Allele origin: germline. Affected: yes.
Comment: The E208K missense change has not been published as a pathogenic variant, nor has it been reported as a benign polymorphism to our knowledge. E208K has been reported in 1000 Genomes at a frequency of 1% in the Chinese Han population in Bejing and at a frequency of 0.5% in the Southern Chinese Han population. E208K is a non-conservative amino acid substitution as a negatively charged Glutamic acid residue is replaced with a positively charged Lysine residue at a position that is highly conserved across species. Multiple in silico algorithyms predict that E208K is damaging to the GFM1 protein. Therefore, based on the currently available information, it is unclear whether this variant is a pathogenic variant or a rare benign variant.

Natera, Inc.
Classification: Uncertain significance for Combined oxidative phosphorylation deficiency 1. Last evaluated: 2020-04-23. Review status: no assertion criteria provided. Collection method: clinical testing. Allele origin: germline. Not counted in ClinVar's aggregate classification.